The following is an entry in ClinVar:

ClinVar aggregate classification (germline): Uncertain significance (1 of 4 stars; one submission).

Conditions:
Cornelia de Lange syndrome 1 (CDLS1). Also called: Brachmann de Lange syndrome; NIPBL-Related Cornelia de Lange Syndrome; TYPUS DEGENERATIVUS AMSTELODAMENSIS. Identifiers: Orphanet 199, MedGen C4551851, MONDO:0007387, OMIM 122470.

Submission:

MVZ Medizinische Genetik Mainz
Classification: Uncertain significance for Cornelia de Lange syndrome 1. Last evaluated: 2022-09-13. Review status: criteria provided, single submitter. Criteria: UK Practice Guidelines For Variant Classification V4 01 2020. Collection method: clinical testing. Allele origin: germline. Inheritance: Autosomal dominant inheritance. Affected: yes. Observed: 1 variant allele.
Comment: ACMG Criteria: PM2_SUP, PM4_SUP, PP3 (ACMG Version 4)

NM_133433.4(NIPBL):c.7050_7052del (p.Gly2351del)

Gene: NIPBL (NIPBL cohesin loading factor; plus strand). Cytogenetic location: 5p13.2.
Variant type: Deletion.
Coding change: c.7050_7052del on transcript NM_133433.4 (MANE Select); coding-DNA positions 7050 to 7052, 3 bases deleted (TGG; older notation c.7050_7052delTGG).
Protein change: p.Gly2351del; deletes glycine 2351.
Genome position (GRCh38, 1-based): chr5:37,051,874-37,051,876, TGG deleted. VCF-style (leftmost placement, unchanged base first): chr5-37051873-CTGG-C. GRCh37 (hg19) VCF-style: chr5-37051975-CTGG-C.
Other names: c.7050_7052del, p.Gly2351del (NM_015384.5); short protein forms G2351del.
Identifiers: ClinVar variation 3066295 (VCV003066295.1), dbSNP rs2478651474, ClinGen allele CA2740097839.
Genomic context (GRCh38, chr5:37,051,873, plus strand): 5'-CAGAACCTGCTATGCGGAACAAGGCTGATCAGCAACTTGTGGAAATAGACAAAAAATATG[CTGG>C]ATTCATTCATGTATGTATTTTAACATTTTATAACCTAAATTTAAACATTTTTCTTGAGTA-3'